The following is an entry in ClinVar:

NM_001378452.1(ITPR1):c.-2A>G

Gene: ITPR1 (inositol 1,4,5-trisphosphate receptor type 1; plus strand). Cytogenetic location: 3p26.1.
Variant type: single nucleotide variant.
Coding change: c.-2A>G on transcript NM_001378452.1 (MANE Select); 2 bases upstream of the start codon, A replaced by G.
Molecular consequence: 5 prime UTR variant.
Genome position (GRCh38, 1-based): chr3:4,516,490, A>G. VCF-style: chr3-4516490-A-G. GRCh37 (hg19) VCF-style: chr3-4558174-A-G.
Other names: c.-2A>G (NM_001099952.4, NM_001168272.2, NM_002222.7).
Identifiers: ClinVar variation 345337 (VCV000345337.11), dbSNP rs369723935, ClinGen allele CA2230776.

ClinVar aggregate classification (germline): Conflicting classifications of pathogenicity. Review status: criteria provided, conflicting classifications (1 of 4 stars). 4 submissions from 4 submitters: Uncertain significance (1); Benign (1); Likely benign (2). Last evaluated 2025-08-18.

Conditions:
ITPR1-related disorder. Also called: ITPR1-related condition.
Autosomal dominant cerebellar ataxia. Also called: Spinocerebellar Ataxia, Dominant. Identifiers: Orphanet 99, MedGen C4087347, MONDO:0020380.

Allele frequency attached by ClinVar (database versions not stated): TOPMed 0.00014; 1000 Genomes Project 0.00020; ESP Exome Variant Server 0.00025; 1000 Genomes Project 30x 0.00031.
gnomAD v4.1: 580 of 1,551,514 alleles (0.037%); highest among the groups gnomAD compares: Non-Finnish European, 0.046%; 1 homozygote.

Submissions (4):

Athena Diagnostics
Classification: Benign. Last evaluated: 2025-08-18. Review status: criteria provided, single submitter. Criteria: Athena Diagnostics Criteria. Collection method: clinical testing. Allele origin: unknown.
Comment: The frequency of this variant in the general population is higher than would generally be expected for pathogenic variants in this gene.

PreventionGenetics, part of Exact Sciences
Classification: Likely benign for ITPR1-related condition. Last evaluated: 2024-11-29. Review status: criteria provided, single submitter. Criteria: ACMG Guidelines, 2015. Collection method: clinical testing. Allele origin: germline.
Comment: This variant is classified as likely benign based on ACMG/AMP sequence variant interpretation guidelines (Richards et al. 2015 PMID: 25741868, with internal and published modifications).

GeneDx
Classification: Uncertain significance. Last evaluated: 2023-03-17. Review status: criteria provided, single submitter. Criteria: GeneDx Variant Classification Process June 2021. Collection method: clinical testing. Allele origin: germline. Affected: yes.
Comment: Nucleotide substitution has no predicted effect on splicing and is not conserved across species; Has not been previously published as pathogenic or benign to our knowledge; This variant is associated with the following publications: (PMID: 29758065)

Illumina Laboratory Services, Illumina
Classification: Likely benign for Spinocerebellar Ataxia, Dominant. Last evaluated: 2018-01-13. Review status: criteria provided, single submitter. Criteria: ICSL Variant Classification Criteria 13 December 2019. Collection method: clinical testing. Allele origin: germline.
Comment: This variant was observed in the ICSL laboratory as part of a predisposition screen in an ostensibly healthy population. It had not been previously curated by ICSL or reported in the Human Gene Mutation Database (HGMD: prior to June 1st, 2018), and was therefore a candidate for classification through an automated scoring system. Utilizing variant allele frequency, disease prevalence and penetrance estimates, and inheritance mode, an automated score was calculated to assess if this variant is too frequent to cause the disease. Based on the score and internal cut-off values, a variant classified as likely benign is not then subjected to further curation. The score for this variant resulted in a classification of likely benign for this disease.

Literature cited by the submitters: PubMed 29758065 (cited by Athena Diagnostics).